The following is an entry in ClinVar:

NM_145698.5(ACBD5):c.180T>C (p.Asn60=)

Genes: ACBD5 (acyl-CoA binding domain containing 5; minus strand), LOC130003557 (ATAC-STARR-seq lymphoblastoid active region 3182; plus strand). Cytogenetic location: 10p12.1.
Variant type: single nucleotide variant.
Coding change: c.180T>C on transcript NM_145698.5 (MANE Select); coding-DNA position 180, T replaced by C.
Protein change: p.Asn60=; no amino-acid change (asparagine 60 retained).
Molecular consequence: synonymous variant. On other transcripts: 5 prime UTR variant (7).
Genome position (GRCh38, 1-based): chr10:27,240,320, A>G on the plus strand (T>C on the coding strand, the complement: ACBD5 is on the minus strand). VCF-style: chr10-27240320-A-G. GRCh37 (hg19) VCF-style: chr10-27529249-A-G.
Other names: c.75T>C, p.Asn25= (NM_001042473.4, NM_001352574.2, NM_001352575.2 and 6 more transcripts); c.174T>C, p.Asn58= (NM_001271512.3, NM_001352571.1, NM_001352586.1 and 1 more transcripts); c.-27T>C (NM_001301251.2, NM_001301252.2, NM_001301253.2 and 4 more transcripts); c.201T>C, p.Asn67= (NM_001352568.1, NM_001352572.1); c.180T>C, p.Asn60= (NM_001352569.1, NM_001352570.1, NM_001352573.1 and 2 more transcripts).
Identifiers: ClinVar variation 2173802 (VCV002173802.4), dbSNP rs1472013084, ClinGen allele CA468494080.

ClinVar aggregate classification (germline): Uncertain significance (1 of 4 stars; one submission).

Allele frequency attached by ClinVar (database versions not stated): gnomAD exomes below 0.00001; TOPMed below 0.00001; gnomAD 0.00001.
gnomAD v4.1: 5 of 1,613,828 alleles (0.00031%); highest among the groups gnomAD compares: Non-Finnish European, 0.00042%; no homozygotes.

Submission:

Labcorp Genetics (formerly Invitae), Labcorp
Classification: Uncertain significance. Last evaluated: 2022-05-29. Review status: criteria provided, single submitter. Criteria: Invitae Variant Classification Sherloc (09022015). Collection method: clinical testing. Allele origin: germline.
Comment: This sequence change affects codon 60 of the ACBD5 mRNA. It is a 'silent' change, meaning that it does not change the encoded amino acid sequence of the ACBD5 protein. It affects a nucleotide within the consensus splice site. This variant is not present in population databases (gnomAD no frequency). This variant has not been reported in the literature in individuals affected with ACBD5-related conditions. Algorithms developed to predict the effect of sequence changes on RNA splicing suggest that this variant is not likely to affect RNA splicing. In summary, the available evidence is currently insufficient to determine the role of this variant in disease. Therefore, it has been classified as a Variant of Uncertain Significance.